The following is an entry in ClinVar:

ClinVar aggregate classification (germline): Likely benign (1 of 4 stars; one submission).

Conditions:
Breast-ovarian cancer, familial, susceptibility to, 2 (BROVCA2). Also called: BRCA2 Hereditary Breast and Ovarian Cancer. Identifiers: Orphanet 145, MedGen C2675520, MONDO:0012933, OMIM 612555. Disease mechanism: loss of function.

gnomAD v4.1: 1 of 1,591,210 alleles (0.000063%); highest among the groups gnomAD compares: Non-Finnish European, 0.000085%; no homozygotes.

Submission:

Cancer Bioinformatics and Tumour Evolution Laboratory, Monash University
Classification: Likely benign for Breast-ovarian cancer, familial, susceptibility to, 2. Last evaluated: 2026-05-01. Review status: criteria provided, single submitter. Criteria: ClinGen BRCA1 and BRCA2 Guidelines, 2024. Collection method: curation. Allele origin: germline. Inheritance: Autosomal dominant inheritance.
Comment: Missense variant outside of a functional domain with no splice impact. BRCA1 and BRCA2 VCEP guidelines recommend application of BP1_Strong (PMID: 39142283)

NM_000059.4(BRCA2):c.948A>T (p.Arg316Ser)

Gene: BRCA2 (BRCA2 DNA repair associated; plus strand). Cytogenetic location: 13q13.1.
Variant type: single nucleotide variant.
Coding change: c.948A>T on transcript NM_000059.4 (MANE Select); coding-DNA position 948, A replaced by T.
Protein change: p.Arg316Ser; replaces arginine 316 with serine.
Molecular consequence: missense variant. On other transcripts: non-coding transcript variant (1), intron variant (1).
Genome position (GRCh38, 1-based): chr13:32,332,426, A>T. VCF-style: chr13-32332426-A-T. GRCh37 (hg19) VCF-style: chr13-32906563-A-T.
Other names: c.948A>T, p.Arg316Ser (NM_001406719.1, NM_001406720.1, NM_001406721.1 and 1 more transcripts); c.424+1396A>T (NM_001406722.1); short protein forms R316S.
Identifiers: ClinVar variation 4856477 (VCV004856477.1).
Genomic context (GRCh38, chr13:32,332,426, plus strand): 5'-TGAAACAGTTGTAGATACCTCTGAAGAAGATAGTTTTTCATTATGTTTTTCTAAATGTAG[A>T]ACAAAAAATCTACAAAAAGTAAGAACTAGCAAGACTAGGAAAAAAATTTTCCATGAAGCA-3'
Protein context (NP_000050.3, residues 306-326): DSFSLCFSKC[Arg316Ser]TKNLQKVRTS